The following is an entry in ClinVar:

NM_001042492.3(NF1):c.8218G>C (p.Asp2740His)

Gene: NF1 (neurofibromin 1; plus strand). Cytogenetic location: 17q11.2.
Variant type: single nucleotide variant.
Coding change: c.8218G>C on transcript NM_001042492.3 (MANE Select); coding-DNA position 8218, G replaced by C.
Protein change: p.Asp2740His; replaces aspartic acid 2740 with histidine.
Molecular consequence: missense variant.
Genome position (GRCh38, 1-based): chr17:31,360,544, G>C. VCF-style: chr17-31360544-G-C. GRCh37 (hg19) VCF-style: chr17-29687562-G-C.
Other names: c.8155G>C, p.Asp2719His (NM_000267.4); short protein forms D2740H, D2719H.
Identifiers: ClinVar variation 4769813 (VCV004769813.1).
Genomic context (GRCh38, chr17:31,360,544, plus strand): 5'-CAGCAAACACAAATTCCAGACTATGCTGAGCTTATTGTTAAGTTTCTTGATGCCTTGATT[G>C]ACACGTACCTGCCTGGAATTGATGAAGAAACCAGTGAAGAATCCCTCCTGACTCCCACAT-3'
Protein context (NP_001035957.1, residues 2730-2750): LIVKFLDALI[Asp2740His]TYLPGIDEET

ClinVar aggregate classification (germline): Uncertain significance (1 of 4 stars; one submission).

Conditions:
Neurofibromatosis, type 1 (NF1). Also called: Neurofibromatosis, type I; VON RECKLINGHAUSEN DISEASE; NEUROFIBROMATOSIS, TYPE I, SOMATIC; Peripheral type neurofibromatosis. Identifiers: Orphanet 636, MedGen C0027831, MONDO:0018975, OMIM 162200. Disease mechanism: loss of function.

Submission:

Labcorp Genetics (formerly Invitae), Labcorp
Classification: Uncertain significance for Neurofibromatosis, type 1. Last evaluated: 2025-09-16. Review status: criteria provided, single submitter. Criteria: Invitae Variant Classification Sherloc (09022015). Collection method: clinical testing. Allele origin: germline.
Comment: This sequence change replaces aspartic acid, which is acidic and polar, with histidine, which is basic and polar, at codon 2719 of the NF1 protein (p.Asp2719His). This variant is not present in population databases (gnomAD no frequency). This variant has not been reported in the literature in individuals affected with NF1-related conditions. Invitae Evidence Modeling of protein sequence and biophysical properties (such as structural, functional, and spatial information, amino acid conservation, physicochemical variation, residue mobility, and thermodynamic stability) indicates that this missense variant is not expected to disrupt NF1 protein function with a negative predictive value of 95%. In summary, the available evidence is currently insufficient to determine the role of this variant in disease. Therefore, it has been classified as a Variant of Uncertain Significance.